The following is an entry in ClinVar:

NM_005732.4(RAD50):c.1640A>G (p.Asp547Gly)

Gene: RAD50 (RAD50 double strand break repair protein; plus strand). Cytogenetic location: 5q31.1.
Variant type: single nucleotide variant.
Coding change: c.1640A>G on transcript NM_005732.4 (MANE Select); coding-DNA position 1640, A replaced by G.
Protein change: p.Asp547Gly; replaces aspartic acid 547 with glycine.
Molecular consequence: missense variant.
Genome position (GRCh38, 1-based): chr5:132,591,881, A>G. VCF-style: chr5-132591881-A-G. GRCh37 (hg19) VCF-style: chr5-131927573-A-G.
Other names: short protein forms D547G.
Identifiers: ClinVar variation 658366 (VCV000658366.14), dbSNP rs1580994761, ClinGen allele CA360946283.

ClinVar aggregate classification (germline): Uncertain significance. Review status: criteria provided, multiple submitters, no conflicts (2 of 4 stars). 2 submissions from 2 submitters: Uncertain significance (2). Last evaluated 2024-05-22.

Conditions:
Hereditary cancer-predisposing syndrome. Also called: Hereditary neoplastic syndrome; Neoplastic Syndromes, Hereditary; Hereditary Cancer Syndrome; Tumor predisposition. Identifiers: Orphanet 140162, MedGen C0027672, MeSH D009386, MONDO:0015356.

Allele frequency attached by ClinVar (database versions not stated): gnomAD exomes below 0.00001; TOPMed below 0.00001.
gnomAD v4.1: 1 of 1,598,868 alleles (0.000063%); highest among the groups gnomAD compares: South Asian, 0.0011%; no homozygotes.

Submissions (2):

Labcorp Genetics (formerly Invitae), Labcorp
Classification: Uncertain significance for Hereditary cancer-predisposing syndrome. Last evaluated: 2024-05-22. Review status: criteria provided, single submitter. Criteria: Invitae Variant Classification Sherloc (09022015). Collection method: clinical testing. Allele origin: germline.
Comment: This sequence change replaces aspartic acid, which is acidic and polar, with glycine, which is neutral and non-polar, at codon 547 of the RAD50 protein (p.Asp547Gly). This variant is not present in population databases (gnomAD no frequency). This variant has not been reported in the literature in individuals affected with RAD50-related conditions. ClinVar contains an entry for this variant (Variation ID: 658366). Advanced modeling of protein sequence and biophysical properties (such as structural, functional, and spatial information, amino acid conservation, physicochemical variation, residue mobility, and thermodynamic stability) performed at Invitae indicates that this missense variant is not expected to disrupt RAD50 protein function with a negative predictive value of 80%. In summary, the available evidence is currently insufficient to determine the role of this variant in disease. Therefore, it has been classified as a Variant of Uncertain Significance.

Ambry Genetics
Classification: Uncertain significance for Hereditary cancer-predisposing syndrome. Last evaluated: 2024-05-11. Review status: criteria provided, single submitter. Criteria: Ambry Variant Classification Scheme 2023. Collection method: clinical testing. Allele origin: germline.
Comment: The p.D547G variant (also known as c.1640A>G), located in coding exon 11 of the RAD50 gene, results from an A to G substitution at nucleotide position 1640. The aspartic acid at codon 547 is replaced by glycine, an amino acid with similar properties. This amino acid position is well conserved in available vertebrate species. In addition, this alteration is predicted to be tolerated by in silico analysis. Since supporting evidence is limited at this time, the clinical significance of this alteration remains unclear.